The following is an entry in ClinVar:

NM_000283.4(PDE6B):c.1973A>C (p.His658Pro)

Gene: PDE6B (phosphodiesterase 6B; plus strand). Cytogenetic location: 4p16.3.
Variant type: single nucleotide variant.
Coding change: c.1973A>C on transcript NM_000283.4 (MANE Select); coding-DNA position 1973, A replaced by C.
Protein change: p.His658Pro; replaces histidine 658 with proline.
Molecular consequence: missense variant.
Genome position (GRCh38, 1-based): chr4:663,822, A>C. VCF-style: chr4-663822-A-C. GRCh37 (hg19) VCF-style: chr4-657611-A-C.
Other names: c.1973A>C, p.His658Pro (NM_001145291.2); c.1136A>C, p.His379Pro (NM_001145292.2, NM_001350154.3, NM_001379246.1 and 1 more transcripts); c.818A>C, p.His273Pro (NM_001350155.3); short protein forms H658P, H379P, H273P.
Identifiers: ClinVar variation 958210 (VCV000958210.10), dbSNP rs1330095073, ClinGen allele CA355918391.

ClinVar aggregate classification (germline): Uncertain significance. Review status: criteria provided, multiple submitters, no conflicts (2 of 4 stars). 2 submissions from 2 submitters: Uncertain significance (2). Last evaluated 2024-12-04.

Allele frequency attached by ClinVar (database versions not stated): gnomAD exomes below 0.00001.
gnomAD v4.1: 5 of 1,612,522 alleles (0.00031%); highest among the groups gnomAD compares: Non-Finnish European, 0.00034%; no homozygotes.

Submissions (2):

Labcorp Genetics (formerly Invitae), Labcorp
Classification: Uncertain significance. Last evaluated: 2024-12-04. Review status: criteria provided, single submitter. Criteria: Invitae Variant Classification Sherloc (09022015). Collection method: clinical testing. Allele origin: germline.
Comment: This sequence change replaces histidine, which is basic and polar, with proline, which is neutral and non-polar, at codon 658 of the PDE6B protein (p.His658Pro). This variant is present in population databases (no rsID available, gnomAD 0.0009%). This missense change has been observed in individual(s) with autosomal recessive retinitis pigmentosa (internal data). ClinVar contains an entry for this variant (Variation ID: 958210). Invitae Evidence Modeling of protein sequence and biophysical properties (such as structural, functional, and spatial information, amino acid conservation, physicochemical variation, residue mobility, and thermodynamic stability) has been performed for this missense variant. However, the output from this modeling did not meet the statistical confidence thresholds required to predict the impact of this variant on PDE6B protein function. In summary, the available evidence is currently insufficient to determine the role of this variant in disease. Therefore, it has been classified as a Variant of Uncertain Significance.

Blueprint Genetics
Classification: Uncertain significance. Last evaluated: 2024-07-17. Review status: criteria provided, single submitter. Criteria: ACMG Guidelines, 2015. Collection method: clinical testing. Allele origin: germline.